The following is an entry in ClinVar:

NC_000019.10:g.302496_302549del

Gene: MIER2 (MIER family member 2; minus strand). Cytogenetic location: 19p13.3.
Variant type: Deletion.
Genome position: GRCh38: chr19:302,496-302,549. GRCh37 (hg19): chr19:302,496-302,549.
Identifiers: ClinVar variation 2648840 (VCV002648840.24), dbSNP rs1568208886, ClinGen allele CA630980037.

ClinVar aggregate classification (germline): Likely benign (1 of 4 stars; one submission).

Submission:

CeGaT Center for Human Genetics Tuebingen
Classification: Likely benign. Last evaluated: 2023-01-01. Review status: criteria provided, single submitter. Criteria: CeGaT Center For Human Genetics Tuebingen Variant Classification Criteria Version 2. Collection method: clinical testing. Allele origin: germline. Affected: yes. Observed: 1 variant allele.
Comment: MIER2: BS2